The following is an entry in ClinVar:

NM_033109.5(PNPT1):c.11G>T (p.Cys4Phe)

Genes: PNPT1 (polyribonucleotide nucleotidyltransferase 1; minus strand), LOC129933771 (ATAC-STARR-seq lymphoblastoid active region 15786; plus strand). Cytogenetic location: 2p16.1.
Variant type: single nucleotide variant.
Coding change: c.11G>T on transcript NM_033109.5 (MANE Select); coding-DNA position 11, G replaced by T.
Protein change: p.Cys4Phe; replaces cysteine 4 with phenylalanine.
Molecular consequence: missense variant.
Genome position (GRCh38, 1-based): chr2:55,693,813, C>A on the plus strand (G>T on the coding strand, the complement: PNPT1 is on the minus strand). VCF-style: chr2-55693813-C-A. GRCh37 (hg19) VCF-style: chr2-55920948-C-A.
Other names: short protein forms C4F.
Identifiers: ClinVar variation 2490409 (VCV002490409.4), dbSNP rs771479313, ClinGen allele CA1668660.
Genomic context (GRCh38, chr2:55,693,813, plus strand): 5'-GGCAGAAGGAAAGGACCATCGCTCAGGGGCCGGAGCCGGAGGCACGAGCAGCAGTACCTG[C>A]AGGCCGCCATGACACCCGGCACGCGGTCAACGCAGGCTGTGCCCTGATTGGCTCACTCCG-3'
Protein context (NP_149100.2, residues 1-14): MAA[Cys4Phe]RYCCSCLRLR

ClinVar aggregate classification (germline): Uncertain significance. Review status: criteria provided, multiple submitters, no conflicts (2 of 4 stars). 2 submissions from 2 submitters: Uncertain significance (2). Last evaluated 2024-09-23.

Conditions:
Inborn genetic diseases. Identifiers: MedGen C0950123, MeSH D030342.

Allele frequency attached by ClinVar (database versions not stated): gnomAD 0.00001; ExAC 0.00002.
gnomAD v4.1: 13 of 1,613,552 alleles (0.00081%); highest among the groups gnomAD compares: East Asian, 0.027%; no homozygotes.

Submissions (2):

Labcorp Genetics (formerly Invitae), Labcorp
Classification: Uncertain significance. Last evaluated: 2024-09-23. Review status: criteria provided, single submitter. Criteria: Invitae Variant Classification Sherloc (09022015). Collection method: clinical testing. Allele origin: germline.
Comment: This sequence change replaces cysteine, which is neutral and slightly polar, with phenylalanine, which is neutral and non-polar, at codon 4 of the PNPT1 protein (p.Cys4Phe). This variant is present in population databases (rs771479313, gnomAD 0.05%). This variant has not been reported in the literature in individuals affected with PNPT1-related conditions. ClinVar contains an entry for this variant (Variation ID: 2490409). An algorithm developed to predict the effect of missense changes on protein structure and function (PolyPhen-2) suggests that this variant is likely to be tolerated. In summary, the available evidence is currently insufficient to determine the role of this variant in disease. Therefore, it has been classified as a Variant of Uncertain Significance.

Ambry Genetics
Classification: Uncertain significance for Inborn genetic diseases. Last evaluated: 2023-02-28. Review status: criteria provided, single submitter. Criteria: Ambry Variant Classification Scheme 2023. Collection method: clinical testing. Allele origin: germline.